The following is an entry in ClinVar:

ClinVar aggregate classification (germline): Uncertain significance. Review status: criteria provided, multiple submitters, no conflicts (2 of 4 stars). 3 submissions from 3 submitters: Uncertain significance (3). Last evaluated 2025-11-26.

Conditions:
Inborn genetic diseases. Identifiers: MedGen C0950123, MeSH D030342.
Hermansky-Pudlak syndrome 5 (HPS5). Identifiers: Orphanet 231512, Orphanet 79430, MedGen C3888004, MONDO:0013557, OMIM 614074.

Allele frequency attached by ClinVar (database versions not stated): gnomAD exomes 0.00001 and 0.00002; TOPMed 0.00002; ExAC 0.00003; gnomAD 0.00005; ESP Exome Variant Server 0.00008.

Submissions (3):

Ambry Genetics
Classification: Uncertain significance for Inborn genetic diseases. Last evaluated: 2025-11-26. Review status: criteria provided, single submitter. Criteria: Ambry Variant Classification Scheme 2023. Collection method: clinical testing. Allele origin: germline.

Labcorp Genetics (formerly Invitae), Labcorp
Classification: Uncertain significance. Last evaluated: 2022-07-22. Review status: criteria provided, single submitter. Criteria: Invitae Variant Classification Sherloc (09022015). Collection method: clinical testing. Allele origin: germline.
Comment: This sequence change replaces valine, which is neutral and non-polar, with leucine, which is neutral and non-polar, at codon 821 of the HPS5 protein (p.Val821Leu). This variant is present in population databases (rs373228021, gnomAD 0.004%). This variant has not been reported in the literature in individuals affected with HPS5-related conditions. ClinVar contains an entry for this variant (Variation ID: 303876). Algorithms developed to predict the effect of missense changes on protein structure and function (SIFT, PolyPhen-2, Align-GVGD) all suggest that this variant is likely to be tolerated. In summary, the available evidence is currently insufficient to determine the role of this variant in disease. Therefore, it has been classified as a Variant of Uncertain Significance.

Illumina Laboratory Services, Illumina
Classification: Uncertain significance for Hermansky-Pudlak syndrome 5. Last evaluated: 2018-01-12. Review status: criteria provided, single submitter. Criteria: ICSL Variant Classification Criteria 13 December 2019. Collection method: clinical testing. Allele origin: germline.

NM_181507.2(HPS5):c.2461G>T (p.Val821Leu)

Gene: HPS5 (HPS5 biogenesis of lysosomal organelles complex 2 subunit 2; minus strand). Cytogenetic location: 11p15.1.
Variant type: single nucleotide variant.
Coding change: c.2461G>T on transcript NM_181507.2 (MANE Select); coding-DNA position 2461, G replaced by T.
Protein change: p.Val821Leu; replaces valine 821 with leucine.
Molecular consequence: missense variant.
Genome position (GRCh38, 1-based): chr11:18,287,993, C>A on the plus strand (G>T on the coding strand, the complement: HPS5 is on the minus strand). VCF-style: chr11-18287993-C-A. GRCh37 (hg19) VCF-style: chr11-18309540-C-A.
Other names: c.2119G>T, p.Val707Leu (NM_007216.4, NM_181508.2); short protein forms V821L, V707L.
Identifiers: ClinVar variation 303876 (VCV000303876.7), dbSNP rs373228021, ClinGen allele CA5909846.